The following is an entry in ClinVar:

NM_001382567.1(STIM1):c.746A>G (p.Glu249Gly)

Gene: STIM1 (stromal interaction molecule 1; plus strand). Cytogenetic location: 11p15.4.
Variant type: single nucleotide variant.
Coding change: c.746A>G on transcript NM_001382567.1 (MANE Select); coding-DNA position 746, A replaced by G.
Protein change: p.Glu249Gly; replaces glutamic acid 249 with glycine.
Molecular consequence: missense variant. On other transcripts: non-coding transcript variant (2).
Genome position (GRCh38, 1-based): chr11:4,070,158, A>G. VCF-style: chr11-4070158-A-G. GRCh37 (hg19) VCF-style: chr11-4091388-A-G.
Other names: c.746A>G, p.Glu249Gly (NM_001277961.3, NM_001277962.2, NM_001382568.1 and 2 more transcripts); c.524A>G, p.Glu175Gly (NM_001382566.1, NM_001382573.1, NM_001382574.1 and 5 more transcripts); c.611A>G, p.Glu204Gly (NM_001382569.1); c.518A>G, p.Glu173Gly (NM_001382570.1); c.266A>G, p.Glu89Gly (NM_001382571.1); c.257A>G, p.Glu86Gly (NM_001382580.1, NM_001382581.1); short protein forms E175G, E86G, E89G, E204G, E173G, E249G.
Identifiers: ClinVar variation 1903912 (VCV001903912.4), dbSNP rs778141513, ClinGen allele CA5830306.
Genomic context (GRCh38, chr11:4,070,158, plus strand): 5'-TTGCCTATATCCAGAACCGTTACTCCAAGGAGCACATGAAGAAGATGATGAAGGACTTGG[A>G]GGGGTTACACCGAGCTGAGCAGAGTCTGCATGACCTTCAGGAAAGGTAAGGCCTGCCCCT-3'
Protein context (NP_001369496.1, residues 239-259): EHMKKMMKDL[Glu249Gly]GLHRAEQSLH

ClinVar aggregate classification (germline): Uncertain significance. Review status: criteria provided, multiple submitters, no conflicts (2 of 4 stars). 3 submissions from 3 submitters: Uncertain significance (3). Last evaluated 2022-06-09.

Conditions:
Stormorken syndrome (STRMK). Also called: THROMBOCYTOPATHY, ASPLENIA, AND MIOSIS. Identifiers: Orphanet 3204, MedGen C1861451, MONDO:0008497, OMIM 185070.
Combined immunodeficiency due to STIM1 deficiency. Also called: STIM1 DEFICIENCY; IMMUNODEFICIENCY 10. Identifiers: Orphanet 169090, Orphanet 317430, MedGen C2748557, MONDO:0013008, OMIM 612783.
Myopathy with tubular aggregates (TAM). Also called: Tubular Aggregate Myopathy. Identifiers: Orphanet 2593, MedGen C0410207, MONDO:0008051.
Inborn genetic diseases. Identifiers: MedGen C0950123, MeSH D030342.

Allele frequency attached by ClinVar (database versions not stated): gnomAD 0.00002; TOPMed 0.00002.
gnomAD v4.1: 18 of 1,614,042 alleles (0.0011%); highest among the groups gnomAD compares: Non-Finnish European, 0.0014%; no homozygotes.

Submissions (3):

Labcorp Genetics (formerly Invitae), Labcorp
Classification: Uncertain significance for Myopathy with tubular aggregates; Combined immunodeficiency due to STIM1 deficiency; Stormorken syndrome. Last evaluated: 2022-06-09. Review status: criteria provided, single submitter. Criteria: Invitae Variant Classification Sherloc (09022015). Collection method: clinical testing. Allele origin: germline.
Comment: This sequence change replaces glutamic acid, which is acidic and polar, with glycine, which is neutral and non-polar, at codon 249 of the STIM1 protein (p.Glu249Gly). This variant is present in population databases (rs778141513, gnomAD 0.003%). This variant has not been reported in the literature in individuals affected with STIM1-related conditions. Algorithms developed to predict the effect of missense changes on protein structure and function are either unavailable or do not agree on the potential impact of this missense change (SIFT: "Deleterious"; PolyPhen-2: "Probably Damaging"; Align-GVGD: "Class C0"). In summary, the available evidence is currently insufficient to determine the role of this variant in disease. Therefore, it has been classified as a Variant of Uncertain Significance.

Ambry Genetics
Classification: Uncertain significance for Inborn genetic diseases. Last evaluated: 2022-02-24. Review status: criteria provided, single submitter. Criteria: Ambry Variant Classification Scheme 2023. Collection method: clinical testing. Allele origin: germline.

Blueprint Genetics
Classification: Uncertain significance. Last evaluated: 2021-08-06. Review status: criteria provided, single submitter. Criteria: ACMG Guidelines, 2015. Collection method: clinical testing. Allele origin: germline.